The following is an entry in ClinVar:

NM_005120.3(MED12):c.1666G>A (p.Gly556Ser)

Genes: MED12 (mediator complex subunit 12; plus strand), LOC126863275 (BRD4-independent group 4 enhancer GRCh37_chrX:70342400-70343599; plus strand). Cytogenetic location: Xq13.1.
Variant type: single nucleotide variant.
Coding change: c.1666G>A on transcript NM_005120.3 (MANE Select); coding-DNA position 1666, G replaced by A.
Protein change: p.Gly556Ser; replaces glycine 556 with serine.
Molecular consequence: missense variant.
Genome position (GRCh38, 1-based): chrX:71,123,642, G>A. VCF-style: chrX-71123642-G-A. GRCh37 (hg19) VCF-style: chrX-70343492-G-A.
Other names: short protein forms G556S.
Identifiers: ClinVar variation 1040414 (VCV001040414.9), dbSNP rs2092295382, ClinGen allele CA413508205.

ClinVar aggregate classification (germline): Uncertain significance (1 of 4 stars; one submission).

Conditions:
FG syndrome (FGS). Identifiers: MedGen C0220769, MONDO:0002010.

Submission:

Labcorp Genetics (formerly Invitae), Labcorp
Classification: Uncertain significance for FG syndrome. Last evaluated: 2020-03-18. Review status: criteria provided, single submitter. Criteria: Invitae Variant Classification Sherloc (09022015). Collection method: clinical testing. Allele origin: germline.
Comment: This sequence change replaces glycine with serine at codon 556 of the MED12 protein (p.Gly556Ser). The glycine residue is highly conserved and there is a small physicochemical difference between glycine and serine. This variant is not present in population databases (ExAC no frequency). This variant has not been reported in the literature in individuals with MED12-related conditions. Algorithms developed to predict the effect of missense changes on protein structure and function are either unavailable or do not agree on the potential impact of this missense change (SIFT: "Deleterious"; PolyPhen-2: "Benign"; Align-GVGD: "Class C0"). Algorithms developed to predict the effect of sequence changes on RNA splicing suggest that this variant may create or strengthen a splice site, but this prediction has not been confirmed by published transcriptional studies. In summary, the available evidence is currently insufficient to determine the role of this variant in disease. Therefore, it has been classified as a Variant of Uncertain Significance.